The following is an entry in ClinVar:

ClinVar aggregate classification (germline): Uncertain significance (1 of 4 stars; one submission).

Allele frequency attached by ClinVar (database versions not stated): gnomAD exomes below 0.00001; TOPMed below 0.00001; gnomAD 0.00001.
gnomAD v4.1: 4 of 1,521,894 alleles (0.00026%); highest among the groups gnomAD compares: Non-Finnish European, 0.00035%; no homozygotes.

Submission:

CeGaT Center for Human Genetics Tuebingen
Classification: Uncertain significance. Last evaluated: 2024-05-01. Review status: criteria provided, single submitter. Criteria: CeGaT Center For Human Genetics Tuebingen Variant Classification Criteria Version 2. Collection method: clinical testing. Allele origin: germline. Affected: yes. Observed: 1 variant allele.
Comment: ADGRV1: PM2:Supporting, BP4

NM_032119.4(ADGRV1):c.681A>G (p.Glu227=)

Gene: ADGRV1 (adhesion G protein-coupled receptor V1; plus strand). Cytogenetic location: 5q14.3.
Variant type: single nucleotide variant.
Coding change: c.681A>G on transcript NM_032119.4 (MANE Select); coding-DNA position 681, A replaced by G.
Protein change: p.Glu227=; no amino-acid change (glutamic acid 227 retained).
Molecular consequence: synonymous variant. On other transcripts: non-coding transcript variant (1).
Genome position (GRCh38, 1-based): chr5:90,627,219, A>G. VCF-style: chr5-90627219-A-G. GRCh37 (hg19) VCF-style: chr5-89923036-A-G.
Identifiers: ClinVar variation 3239510 (VCV003239510.19), dbSNP rs1193920746.